The following is an entry in ClinVar:

ClinVar aggregate classification (germline): Uncertain significance. Review status: criteria provided, multiple submitters, no conflicts (2 of 4 stars). 5 submissions from 5 submitters: Uncertain significance (5). Last evaluated 2025-12-12.

Conditions:
Hereditary cancer-predisposing syndrome. Also called: Tumor predisposition; Hereditary Cancer Syndrome; Hereditary neoplastic syndrome; Neoplastic Syndromes, Hereditary. Identifiers: Orphanet 140162, MedGen C0027672, MeSH D009386, MONDO:0015356.
Multiple endocrine neoplasia, type 2 (MEN2). Identifiers: Orphanet 653, MedGen C4048306, MONDO:0019003. Disease mechanism: gain of function.

Allele frequency attached by ClinVar (database versions not stated): gnomAD exomes below 0.00001 and 0.00001; TOPMed 0.00002.
gnomAD v4.1: 18 of 1,613,972 alleles (0.0011%); highest among the groups gnomAD compares: South Asian, 0.013%; no homozygotes.

Submissions (5):

Labcorp Genetics (formerly Invitae), Labcorp
Classification: Uncertain significance for Multiple endocrine neoplasia, type 2. Last evaluated: 2025-12-12. Review status: criteria provided, single submitter. Criteria: Invitae Variant Classification Sherloc (09022015). Collection method: clinical testing. Allele origin: germline.
Comment: This sequence change replaces alanine, which is neutral and non-polar, with valine, which is neutral and non-polar, at codon 1019 of the RET protein (p.Ala1019Val). This variant is present in population databases (no rsID available, gnomAD 0.003%). This variant has not been reported in the literature in individuals affected with RET-related conditions. ClinVar contains an entry for this variant (Variation ID: 572031). An algorithm developed to predict the effect of missense changes on protein structure and function (PolyPhen-2) suggests that this variant is likely to be disruptive. In summary, the available evidence is currently insufficient to determine the role of this variant in disease. Therefore, it has been classified as a Variant of Uncertain Significance.

Ambry Genetics
Classification: Uncertain significance for Hereditary cancer-predisposing syndrome. Last evaluated: 2025-04-11. Review status: criteria provided, single submitter. Criteria: Ambry Variant Classification Scheme 2023. Collection method: clinical testing. Allele origin: germline.
Comment: The p.A1019V variant (also known as c.3056C>T), located in coding exon 19 of the RET gene, results from a C to T substitution at nucleotide position 3056. The alanine at codon 1019 is replaced by valine, an amino acid with similar properties. This alteration was detected in a cohort of unrelated Brazilian individuals with breast cancer (Sandoval RL et al. PLoS One, 2021 Feb;16:e0247363). This amino acid position is highly conserved in available vertebrate species. In addition, the in silico prediction for this alteration is inconclusive. Since supporting evidence is limited at this time, the clinical significance of this alteration remains unclear.

Color Diagnostics, LLC DBA Color Health
Classification: Uncertain significance for Multiple endocrine neoplasia, type 2. Last evaluated: 2024-05-29. Review status: criteria provided, single submitter. Criteria: ACMG Guidelines, 2015. Collection method: clinical testing. Allele origin: germline.
Comment: This missense variant replaces alanine with valine at codon 1019 of the RET protein. Computational prediction suggests that this variant may not impact protein structure and function. To our knowledge, functional studies have not been reported for this variant. This variant has not been reported as a germline variant in individuals affected with RET-related cancer in the literature. This variant has been identified in 1/251410 chromosomes in the general population by the Genome Aggregation Database (gnomAD). The available evidence is insufficient to determine the role of this variant in disease conclusively. Therefore, this variant is classified as a Variant of Uncertain Significance.

All of Us Research Program, National Institutes of Health
Classification: Uncertain significance for Multiple endocrine neoplasia, type 2. Last evaluated: 2023-08-15. Review status: criteria provided, single submitter. Criteria: ACMG Guidelines, 2015. Collection method: clinical testing. Allele origin: germline. Inheritance: Autosomal dominant inheritance. Observed: 2 variant alleles, 2 heterozygotes.
Comment: This missense variant replaces alanine with valine at codon 1019 of the RET protein. Computational prediction suggests that this variant may not impact protein structure and function (internally defined REVEL score threshold <= 0.5, PMID: 27666373). To our knowledge, functional studies have not been reported for this variant. This variant has not been reported as a germline variant in individuals affected with RET-related cancer in the literature. This variant has been identified in 1/251410 chromosomes in the general population by the Genome Aggregation Database (gnomAD). The available evidence is insufficient to determine the role of this variant in disease conclusively. Therefore, this variant is classified as a Variant of Uncertain Significance.

This study involves interpretation of variants in research participants for the purpose of population health screening. Participant phenotype was not available at the time of variant classification. Additional details can be found in publication PMID: 35346344, PMCID: PMC8962531

CeGaT Center for Human Genetics Tuebingen
Classification: Uncertain significance. Last evaluated: 2023-01-01. Review status: criteria provided, single submitter. Criteria: CeGaT Center For Human Genetics Tuebingen Variant Classification Criteria Version 2. Collection method: clinical testing. Allele origin: germline. Affected: yes. Observed: 1 variant allele.
Comment: RET: PP3

Literature cited by the submitters: PubMed 33606809 (cited by Ambry Genetics).

NM_020975.6(RET):c.3056C>T (p.Ala1019Val)

Gene: RET (ret proto-oncogene; plus strand). Cytogenetic location: 10q11.21.
Variant type: single nucleotide variant.
Coding change: c.3056C>T on transcript NM_020975.6 (MANE Select); coding-DNA position 3056, C replaced by T.
Protein change: p.Ala1019Val; replaces alanine 1019 with valine.
Molecular consequence: missense variant.
Genome position (GRCh38, 1-based): chr10:43,126,591, C>T. VCF-style: chr10-43126591-C-T. GRCh37 (hg19) VCF-style: chr10-43622039-C-T.
Other names: c.3056C>T, p.Ala1019Val (NM_000323.2, NM_001406743.1, NM_020629.2 and 4 more transcripts); c.2294C>T, p.Ala765Val (NM_001355216.2); c.2792C>T, p.Ala931Val (NM_001406768.1); c.2660C>T, p.Ala887Val (NM_001406769.1, NM_001406772.1); c.2768C>T, p.Ala923Val (NM_001406770.1, NM_001406766.1, NM_001406767.1); c.2618C>T, p.Ala873Val (NM_001406771.1, NM_001406773.1); c.2531C>T, p.Ala844Val (NM_001406774.1); c.2330C>T, p.Ala777Val (NM_001406775.1, NM_001406776.1, NM_001406777.1 and 1 more transcripts); and 10 more; short protein forms A1019V, A765V, A677V, A689V, A720V, A777V, A887V, A974V.
Identifiers: ClinVar variation 572031 (VCV000572031.37), dbSNP rs1371891301, ClinGen allele CA376558303.
Genomic context (GRCh38, chr10:43,126,591, plus strand): 5'-TTGTGGCACATGGCTTGGAGTGACCGGCCATCTCTGTCTTCCAGGACTACTTGGACCTTG[C>T]GGCGTCCACTCCATCTGACTCCCTGATTTATGACGACGGCCTCTCAGAGGAGGAGACACC-3'
Protein context (NP_066124.1, residues 1009-1029): MVKRRDYLDL[Ala1019Val]ASTPSDSLIY